The following is an entry in ClinVar:

NM_001005242.3(PKP2):c.1295_1323dup (p.Leu442delinsArgTrpLeuAsnTer)

Gene: PKP2 (plakophilin 2; minus strand). Cytogenetic location: 12p11.21.
Variant type: Duplication.
Coding change: c.1295_1323dup on transcript NM_001005242.3 (MANE Select); coding-DNA positions 1295 to 1323, 29 bases duplicated (AGGTGGCTGAACTAAATGGGGTACCTCGG).
Protein change: p.Leu442delinsArgTrpLeuAsnTer.
Molecular consequence: nonsense.
Genome position (GRCh38, 1-based): chr12:32,850,821-32,850,849, CCGAGGTACCCCATTTAGTTCAGCCACCT duplicated on the plus strand (AGGTGGCTGAACTAAATGGGGTACCTCGG on the coding strand, the reverse complement: PKP2 is on the minus strand); duplicating any 29 consecutive bases within chr12:32,850,821-32,850,851 gives the same sequence; the c. name uses the placement nearest the transcript's 3' end. VCF-style (leftmost placement, unchanged base first): chr12-32850820-G-GCCGAGGTACCCCATTTAGTTCAGCCACCT. GRCh37 (hg19) VCF-style: chr12-33003754-G-GCCGAGGTACCCCATTTAGTTCAGCCACCT.
Other names: c.1295_1323dup, p.Leu442delinsArgTrpLeuAsnTer (NM_001407155.1, NM_001407156.1, NM_001407157.1 and 2 more transcripts); c.968_996dup, p.Leu333delinsArgTrpLeuAsnTer (NM_001407158.1, NM_001407159.1, NM_001407160.1 and 1 more transcripts).
Identifiers: ClinVar variation 2756914 (VCV002756914.3), dbSNP rs1226953182, ClinGen allele CA604480682.

ClinVar aggregate classification (germline): Pathogenic (1 of 4 stars; one submission).

Conditions:
Arrhythmogenic right ventricular dysplasia 9 (ARVD9). Also called: ARRHYTHMOGENIC RIGHT VENTRICULAR DYSPLASIA, FAMILIAL, 9; Arrhythmogenic Right Ventricular Dysplasia/Cardiomyopathy 9. Identifiers: MedGen C1836906, MONDO:0012180, OMIM 609040.

Submission:

Labcorp Genetics (formerly Invitae), Labcorp
Classification: Pathogenic for Arrhythmogenic right ventricular dysplasia 9. Last evaluated: 2023-09-10. Review status: criteria provided, single submitter. Criteria: Invitae Variant Classification Sherloc (09022015). Collection method: clinical testing. Allele origin: germline.
Comment: This sequence change creates a premature translational stop signal (p.Leu442Argfs*5) in the PKP2 gene. It is expected to result in an absent or disrupted protein product. Loss-of-function variants in PKP2 are known to be pathogenic (PMID: 15489853, 23911551). This variant is present in population databases (no rsID available, gnomAD 0.003%). This variant has not been reported in the literature in individuals affected with PKP2-related conditions. For these reasons, this variant has been classified as Pathogenic.

Literature cited by the submitters: PubMed 15489853; PubMed 23911551.